The following is an entry in ClinVar:

NM_198576.4(AGRN):c.2861C>T (p.Ala954Val)

Gene: AGRN (agrin; plus strand). Cytogenetic location: 1p36.33.
Variant type: single nucleotide variant.
Coding change: c.2861C>T on transcript NM_198576.4 (MANE Select); coding-DNA position 2861, C replaced by T.
Protein change: p.Ala954Val; replaces alanine 954 with valine.
Molecular consequence: missense variant.
Genome position (GRCh38, 1-based): chr1:1,046,215, C>T. VCF-style: chr1-1046215-C-T. GRCh37 (hg19) VCF-style: chr1-981595-C-T.
Other names: c.2861C>T, p.Ala954Val (NM_001305275.2); c.2546C>T, p.Ala849Val (NM_001364727.2); short protein forms A849V, A954V.
Identifiers: ClinVar variation 1467378 (VCV001467378.8), dbSNP rs2100657779, ClinGen allele CA337844356.

ClinVar aggregate classification (germline): Uncertain significance (1 of 4 stars; one submission).

Conditions:
Congenital myasthenic syndrome 8. Also called: Myasthenic syndrome, congenital, 8, with pre- and postsynaptic defects; MYASTHENIC SYNDROME, CONGENITAL, DUE TO AGRIN DEFICIENCY. Identifiers: Orphanet 590, MedGen C3808739, MONDO:0014052, OMIM 615120.

Allele frequency attached by ClinVar (database versions not stated): gnomAD exomes below 0.00001.
gnomAD v4.1: 2 of 1,613,682 alleles (0.00012%); highest among the groups gnomAD compares: Non-Finnish European, 0.000085%; no homozygotes.

Submission:

Labcorp Genetics (formerly Invitae), Labcorp
Classification: Uncertain significance for Congenital myasthenic syndrome 8. Last evaluated: 2021-06-04. Review status: criteria provided, single submitter. Criteria: Invitae Variant Classification Sherloc (09022015). Collection method: clinical testing. Allele origin: germline.
Comment: This sequence change replaces alanine with valine at codon 954 of the AGRN protein (p.Ala954Val). The alanine residue is highly conserved and there is a small physicochemical difference between alanine and valine. In summary, the available evidence is currently insufficient to determine the role of this variant in disease. Therefore, it has been classified as a Variant of Uncertain Significance. Algorithms developed to predict the effect of missense changes on protein structure and function are either unavailable or do not agree on the potential impact of this missense change (SIFT: "Deleterious"; PolyPhen-2: "Possibly Damaging"; Align-GVGD: "Class C0"). This variant has not been reported in the literature in individuals with AGRN-related conditions. This variant is not present in population databases (ExAC no frequency).